The following is an entry in ClinVar:

ClinVar aggregate classification (germline): Uncertain significance. Review status: criteria provided, multiple submitters, no conflicts (2 of 4 stars). 2 submissions from 2 submitters: Uncertain significance (2). Last evaluated 2025-08-07.

Conditions:
Cardiovascular phenotype. Identifiers: MedGen CN230736.

gnomAD v4.1: 1 of 1,211,280 alleles (0.000083%); highest among the groups gnomAD compares: Middle Eastern, 0.023%; no homozygotes.

Submissions (2):

Labcorp Genetics (formerly Invitae), Labcorp
Classification: Uncertain significance. Last evaluated: 2025-08-07. Review status: criteria provided, single submitter. Criteria: Invitae Variant Classification Sherloc (09022015). Collection method: clinical testing. Allele origin: germline.
Comment: This sequence change replaces asparagine, which is neutral and polar, with serine, which is neutral and polar, at codon 197 of the BGN protein (p.Asn197Ser). This variant is not present in population databases (gnomAD no frequency). This variant has not been reported in the literature in individuals affected with BGN-related conditions. ClinVar contains an entry for this variant (Variation ID: 3260835). Invitae Evidence Modeling of protein sequence and biophysical properties (such as structural, functional, and spatial information, amino acid conservation, physicochemical variation, residue mobility, and thermodynamic stability) indicates that this missense variant is not expected to disrupt BGN protein function with a negative predictive value of 80%. In summary, the available evidence is currently insufficient to determine the role of this variant in disease. Therefore, it has been classified as a Variant of Uncertain Significance.

Ambry Genetics
Classification: Uncertain significance for Cardiovascular phenotype. Last evaluated: 2024-04-19. Review status: criteria provided, single submitter. Criteria: Ambry Variant Classification Scheme 2023. Collection method: clinical testing. Allele origin: germline.
Comment: The p.N197S variant (also known as c.590A>G), located in coding exon 4 of the BGN gene, results from an A to G substitution at nucleotide position 590. The asparagine at codon 197 is replaced by serine, an amino acid with highly similar properties. This amino acid position is conserved. In addition, this alteration is predicted to be tolerated by in silico analysis. Based on the available evidence, the clinical significance of this variant remains unclear.

NM_001711.6(BGN):c.590A>G (p.Asn197Ser)

Gene: BGN (biglycan; plus strand). Cytogenetic location: Xq28.
Variant type: single nucleotide variant.
Coding change: c.590A>G on transcript NM_001711.6 (MANE Select); coding-DNA position 590, A replaced by G.
Protein change: p.Asn197Ser; replaces asparagine 197 with serine.
Molecular consequence: missense variant.
Genome position (GRCh38, 1-based): chrX:153,506,553, A>G. VCF-style: chrX-153506553-A-G. GRCh37 (hg19) VCF-style: chrX-152772011-A-G.
Other names: short protein forms N197S.
Identifiers: ClinVar variation 3260835 (VCV003260835.2).